The following is an entry in ClinVar:

NM_001143760.1(EIF5A):c.69+1G>A

Gene: EIF5A (eukaryotic translation initiation factor 5A; plus strand). Cytogenetic location: 17p13.1.
Variant type: single nucleotide variant.
Coding change: c.69+1G>A on transcript NM_001143760.1; the canonical splice donor site of the intron after coding-DNA position 69, G replaced by A.
Molecular consequence: splice donor variant. On other transcripts: intron variant (1).
Genome position (GRCh38, 1-based): chr17:7,307,116, G>A. VCF-style: chr17-7307116-G-A. GRCh37 (hg19) VCF-style: chr17-7210435-G-A.
Other names: c.-22+3G>A (NM_001370420.1).
Identifiers: ClinVar variation 2636832 (VCV002636832.2), dbSNP rs192093777, ClinGen allele CA287409860.

ClinVar aggregate classification (germline): Uncertain significance. Review status: criteria provided, multiple submitters, no conflicts (2 of 4 stars). 2 submissions from 2 submitters: Uncertain significance (2). Last evaluated 2024-03-26.

Conditions:
EIF5A-related disorder. Also called: EIF5A-related condition.
Faundes-Banka syndrome. Identifiers: MedGen C5543554, MONDO:0859163, OMIM 619376.

Allele frequency attached by ClinVar (database versions not stated): TOPMed 0.00001.
gnomAD v4.1: 33 of 1,595,882 alleles (0.0021%); highest among the groups gnomAD compares: Non-Finnish European, 0.0026%; no homozygotes.

Submissions (2):

Genomic Medicine Center of Excellence, King Faisal Specialist Hospital and Research Centre
Classification: Uncertain significance for Faundes-Banka syndrome. Last evaluated: 2024-03-26. Review status: criteria provided, single submitter. Criteria: ACMG Guidelines, 2015. Collection method: clinical testing. Allele origin: germline.

PreventionGenetics, part of Exact Sciences
Classification: Uncertain significance for EIF5A-related condition. Last evaluated: 2023-05-03. Review status: criteria provided, single submitter. Criteria: ACMG Guidelines, 2015. Collection method: clinical testing. Allele origin: germline.
Comment: The EIF5A c.69+1G>A variant is predicted to disrupt the GT donor site and interfere with normal splicing. However, this variant affects an alternative transcript with evidence of low expression. In the canonical transcript, this variant is pre-coding (NM_001970:c.-658G>A). To our knowledge, this variant has not been reported in the literature. This variant is reported in 0.0017% of alleles in individuals of European (Non-Finnish) descent in gnomAD. Loss of function is not an established mechanism of EIF5A-related disease. At this time, the clinical significance of this variant is uncertain due to the absence of conclusive functional and genetic evidence.